The following is an entry in ClinVar:

ClinVar aggregate classification (germline): Uncertain significance. Review status: criteria provided, multiple submitters, no conflicts (2 of 4 stars). 2 submissions from 2 submitters: Uncertain significance (2). Last evaluated 2025-06-04.

Conditions:
Hereditary cancer-predisposing syndrome. Also called: Neoplastic Syndromes, Hereditary; Hereditary Cancer Syndrome; Tumor predisposition; Hereditary neoplastic syndrome. Identifiers: Orphanet 140162, MedGen C0027672, MeSH D009386, MONDO:0015356.
Multiple endocrine neoplasia, type 1 (MEN1). Also called: Endocrine adenomatosis multiple; MEN 1; MEA I; MEN I; WERMER SYNDROME. Identifiers: Orphanet 652, MedGen C0025267, MeSH D018761, MONDO:0007540, OMIM 131100.

Submissions (2):

Ambry Genetics
Classification: Uncertain significance for Hereditary cancer-predisposing syndrome. Last evaluated: 2025-06-04. Review status: criteria provided, single submitter. Criteria: Ambry Variant Classification Scheme 2023. Collection method: clinical testing. Allele origin: germline.
Comment: The p.L564P variant (also known as c.1691T>C), located in coding exon 9 of the MEN1 gene, results from a T to C substitution at nucleotide position 1691. The leucine at codon 564 is replaced by proline, an amino acid with similar properties. This amino acid position is highly conserved in available vertebrate species. In addition, this alteration is predicted to be deleterious by in silico analysis. Since supporting evidence is limited at this time, the clinical significance of this alteration remains unclear.

Labcorp Genetics (formerly Invitae), Labcorp
Classification: Uncertain significance for Multiple endocrine neoplasia, type 1. Last evaluated: 2021-06-11. Review status: criteria provided, single submitter. Criteria: Invitae Variant Classification Sherloc (09022015). Collection method: clinical testing. Allele origin: germline.
Comment: This sequence change replaces leucine with proline at codon 564 of the MEN1 protein (p.Leu564Pro). The leucine residue is highly conserved and there is a moderate physicochemical difference between leucine and proline. This variant is not present in population databases (ExAC no frequency). This variant has not been reported in the literature in individuals with MEN1-related conditions. Advanced modeling of protein sequence and biophysical properties (such as structural, functional, and spatial information, amino acid conservation, physicochemical variation, residue mobility, and thermodynamic stability) performed at Invitae indicates that this missense variant is expected to disrupt MEN1 protein function. In summary, the available evidence is currently insufficient to determine the role of this variant in disease. Therefore, it has been classified as a Variant of Uncertain Significance.

NM_001370259.2(MEN1):c.1691T>C (p.Leu564Pro)

Gene: MEN1 (menin 1; minus strand). Cytogenetic location: 11q13.1.
Variant type: single nucleotide variant.
Coding change: c.1691T>C on transcript NM_001370259.2 (MANE Select); coding-DNA position 1691, T replaced by C.
Protein change: p.Leu564Pro; replaces leucine 564 with proline.
Molecular consequence: missense variant.
Genome position (GRCh38, 1-based): chr11:64,804,476, A>G on the plus strand (T>C on the coding strand, the complement: MEN1 is on the minus strand). VCF-style: chr11-64804476-A-G. GRCh37 (hg19) VCF-style: chr11-64571948-A-G.
Other names: c.1706T>C, p.Leu569Pro (NM_000244.4, NM_130800.3, NM_130801.3 and 3 more transcripts); c.1817T>C, p.Leu606Pro (NM_001370251.2); c.1691T>C, p.Leu564Pro (NM_001370260.2, NM_001370261.2, NM_130799.3); c.1586T>C, p.Leu529Pro (NM_001370262.2, NM_001370263.2); short protein forms L529P, L564P, L569P, L606P.
Identifiers: ClinVar variation 1508010 (VCV001508010.11), dbSNP rs2136080204, ClinGen allele CA381177668.